The following is an entry in ClinVar:

NM_000245.4(MET):c.2441C>A (p.Pro814His)

Gene: MET (MET proto-oncogene, receptor tyrosine kinase; plus strand). Cytogenetic location: 7q31.2.
Variant type: single nucleotide variant.
Coding change: c.2441C>A on transcript NM_000245.4 (MANE Select); coding-DNA position 2441, C replaced by A.
Protein change: p.Pro814His; replaces proline 814 with histidine.
Molecular consequence: missense variant.
Genome position (GRCh38, 1-based): chr7:116,763,126, C>A. VCF-style: chr7-116763126-C-A. GRCh37 (hg19) VCF-style: chr7-116403180-C-A.
Other names: c.2495C>A, p.Pro832His (NM_001127500.3); c.2441C>A, p.Pro814His (NM_001324401.3); c.1151C>A, p.Pro384His (NM_001324402.2); short protein forms P384H, P814H, P832H.
Identifiers: ClinVar variation 3232936 (VCV003232936.1), dbSNP rs781452657, ClinGen allele CA368983205.

ClinVar aggregate classification (germline): Uncertain significance (1 of 4 stars; one submission).

Conditions:
Hereditary cancer-predisposing syndrome. Also called: Neoplastic Syndromes, Hereditary; Tumor predisposition; Hereditary neoplastic syndrome; Hereditary Cancer Syndrome. Identifiers: Orphanet 140162, MedGen C0027672, MeSH D009386, MONDO:0015356.

Submission:

Ambry Genetics
Classification: Uncertain significance for Hereditary cancer-predisposing syndrome. Last evaluated: 2023-11-09. Review status: criteria provided, single submitter. Criteria: Ambry Variant Classification Scheme 2023. Collection method: clinical testing. Allele origin: germline.
Comment: The p.P832H variant (also known as c.2495C>A), located in coding exon 10 of the MET gene, results from a C to A substitution at nucleotide position 2495. The proline at codon 832 is replaced by histidine, an amino acid with similar properties. This amino acid position is conserved. In addition, the in silico prediction for this alteration is inconclusive. Since supporting evidence is limited at this time, the clinical significance of this alteration remains unclear.